The following is an entry in ClinVar:

NM_001793.6(CDH3):c.578C>T (p.Ala193Val)

Gene: CDH3 (cadherin 3; plus strand). Cytogenetic location: 16q22.1.
Variant type: single nucleotide variant.
Coding change: c.578C>T on transcript NM_001793.6 (MANE Select); coding-DNA position 578, C replaced by T.
Protein change: p.Ala193Val; replaces alanine 193 with valine.
Molecular consequence: missense variant.
Genome position (GRCh38, 1-based): chr16:68,678,793, C>T. VCF-style: chr16-68678793-C-T. GRCh37 (hg19) VCF-style: chr16-68712696-C-T.
Other names: c.578C>T, p.Ala193Val (NM_001317195.3); c.413C>T, p.Ala138Val (NM_001317196.2); short protein forms A138V, A193V.
Identifiers: ClinVar variation 1388648 (VCV001388648.5), dbSNP rs756048455, ClinGen allele CA8129074.

ClinVar aggregate classification (germline): Uncertain significance (1 of 4 stars; one submission).

Allele frequency attached by ClinVar (database versions not stated): ExAC 0.00001; TOPMed 0.00002.
gnomAD v4.1: 8 of 1,614,116 alleles (0.0005%); highest among the groups gnomAD compares: Middle Eastern, 0.082%; no homozygotes.

Submission:

Labcorp Genetics (formerly Invitae), Labcorp
Classification: Uncertain significance. Last evaluated: 2021-08-14. Review status: criteria provided, single submitter. Criteria: Invitae Variant Classification Sherloc (09022015). Collection method: clinical testing. Allele origin: germline.
Comment: This sequence change replaces alanine with valine at codon 193 of the CDH3 protein (p.Ala193Val). The alanine residue is moderately conserved and there is a small physicochemical difference between alanine and valine. This variant is present in population databases (rs756048455, ExAC 0.006%). This variant has not been reported in the literature in individuals affected with CDH3-related conditions. Algorithms developed to predict the effect of missense changes on protein structure and function are either unavailable or do not agree on the potential impact of this missense change (SIFT: "Not Available"; PolyPhen-2: "Benign"; Align-GVGD: "Not Available"). In summary, the available evidence is currently insufficient to determine the role of this variant in disease. Therefore, it has been classified as a Variant of Uncertain Significance.